The following is an entry in ClinVar:

NM_000159.4(GCDH):c.636G>A (p.Trp212Ter)

Gene: GCDH (glutaryl-CoA dehydrogenase; plus strand). Cytogenetic location: 19p13.13.
Variant type: single nucleotide variant.
Coding change: c.636G>A on transcript NM_000159.4 (MANE Select); coding-DNA position 636, G replaced by A.
Protein change: p.Trp212Ter; replaces tryptophan 212 with a stop codon.
Molecular consequence: nonsense. On other transcripts: non-coding transcript variant (1).
Genome position (GRCh38, 1-based): chr19:12,896,205, G>A. VCF-style: chr19-12896205-G-A. GRCh37 (hg19) VCF-style: chr19-13007019-G-A.
Other names: c.636G>A, p.Trp212Ter (NM_013976.5); short protein forms W212*.
Identifiers: ClinVar variation 2282915 (VCV002282915.3), dbSNP rs2512573326, ClinGen allele CA404318431.

ClinVar aggregate classification (germline): Pathogenic/Likely pathogenic. Review status: criteria provided, multiple submitters, no conflicts (2 of 4 stars). 2 submissions from 2 submitters: Pathogenic (1); Likely pathogenic (1). Last evaluated 2023-08-06.

Conditions:
Glutaric aciduria, type 1. Also called: Glutaryl-CoA dehydrogenase deficiency; Glutaric acidemia type I; Glutaricaciduria, type I; Glutaric Acidemia Type 1; GA I; Glutaricacidemia Type 1. Identifiers: Orphanet 25, MedGen C0268595, MONDO:0009281, OMIM 231670.
Inborn genetic diseases. Identifiers: MedGen C0950123, MeSH D030342.

Submissions (2):

Baylor Genetics
Classification: Likely pathogenic for Glutaric aciduria, type 1. Last evaluated: 2023-08-06. Review status: criteria provided, single submitter. Criteria: ACMG Guidelines, 2015. Collection method: clinical testing. Allele origin: unknown.

Ambry Genetics
Classification: Pathogenic for Inborn genetic diseases. Last evaluated: 2022-04-29. Review status: criteria provided, single submitter. Criteria: Ambry Variant Classification Scheme 2023. Collection method: clinical testing. Allele origin: germline.
Comment: The c.636G>A (p.W212*) alteration, located in exon 8 (coding exon 7) of the GCDH gene, consists of a G to A substitution at nucleotide position 636. This changes the amino acid from a tryptophan (W) to a stop codon at amino acid position 212. This alteration is expected to result in loss of function by premature protein truncation or nonsense-mediated mRNA decay. This variant was not reported in population-based cohorts in the Genome Aggregation Database (gnomAD). Based on the available evidence, this alteration is classified as pathogenic.